The following is an entry in ClinVar:

NM_201596.3(CACNB2):c.382G>A (p.Ala128Thr)

Gene: CACNB2 (calcium voltage-gated channel auxiliary subunit beta 2; plus strand). Cytogenetic location: 10p12.31.
Variant type: single nucleotide variant.
Coding change: c.382G>A on transcript NM_201596.3 (MANE Select); coding-DNA position 382, G replaced by A.
Protein change: p.Ala128Thr; replaces alanine 128 with threonine.
Molecular consequence: missense variant.
Genome position (GRCh38, 1-based): chr10:18,498,403, G>A. VCF-style: chr10-18498403-G-A. GRCh37 (hg19) VCF-style: chr10-18787332-G-A.
Other names: c.217G>A, p.Ala73Thr (NM_000724.4, NM_001330060.2); c.298G>A, p.Ala100Thr (NM_001167945.2, NM_201571.4, NM_201572.4); c.238G>A, p.Ala80Thr (NM_001410882.1, NM_201570.3); c.220G>A, p.Ala74Thr (NM_201590.3); c.382G>A, p.Ala128Thr (NM_201593.3, NM_201597.3); short protein forms A100T, A128T, A73T, A74T, A80T.
Identifiers: ClinVar variation 4882561 (VCV004882561.2).

ClinVar aggregate classification (germline): Uncertain significance (1 of 4 stars; one submission).

gnomAD v4.1: 8 of 1,614,132 alleles (0.0005%); highest among the groups gnomAD compares: East Asian, 0.0045%; no homozygotes.

Submission:

Dasa
Classification: Uncertain significance. Last evaluated: 2025-06-13. Review status: criteria provided, single submitter. Criteria: DASA Assertion Criteria. Collection method: clinical testing. Allele origin: germline.
Comment: NM_201596.3(CACNB2):c.382G>A (p.Ala128Thr) is a missense variant that results in the substitution of alanine with threonine. This variant is rare in population databases. The currently available literature and clinical evidence are not sufficient to establish a definitive association between this variant and the reported condition. Therefore, this variant is classified as a variant of uncertain significance.